The following is an entry in ClinVar:

ClinVar aggregate classification (germline): Conflicting classifications of pathogenicity. Review status: criteria provided, conflicting classifications (1 of 4 stars). 2 submissions from 2 submitters: Uncertain significance (1); Likely benign (1). Last evaluated 2025-10-09.

gnomAD v4.1: 9 of 1,274,830 alleles (0.00071%); highest among the groups gnomAD compares: South Asian, 0.0028%; no homozygotes.

Submissions (2):

Labcorp Genetics (formerly Invitae), Labcorp
Classification: Uncertain significance. Last evaluated: 2025-10-09. Review status: criteria provided, single submitter. Criteria: Invitae Variant Classification Sherloc (09022015). Collection method: clinical testing. Allele origin: germline.
Comment: This sequence change replaces proline, which is neutral and non-polar, with serine, which is neutral and polar, at codon 142 of the CDK13 protein (p.Pro142Ser). This variant is present in population databases (no rsID available, gnomAD 0.01%). This variant has not been reported in the literature in individuals affected with CDK13-related conditions. ClinVar contains an entry for this variant (Variation ID: 3701251). Invitae Evidence Modeling of protein sequence and biophysical properties (such as structural, functional, and spatial information, amino acid conservation, physicochemical variation, residue mobility, and thermodynamic stability) indicates that this missense variant is not expected to disrupt CDK13 protein function with a negative predictive value of 95%. In summary, the available evidence is currently insufficient to determine the role of this variant in disease. Therefore, it has been classified as a Variant of Uncertain Significance.

CeGaT Center for Human Genetics Tuebingen
Classification: Likely benign. Last evaluated: 2024-12-01. Review status: criteria provided, single submitter. Criteria: CeGaT Center For Human Genetics Tuebingen Variant Classification Criteria Version 2. Collection method: clinical testing. Allele origin: germline. Affected: yes. Observed: 1 variant allele.
Comment: CDK13: PP2, BS2

NM_003718.5(CDK13):c.424C>T (p.Pro142Ser)

Genes: CDK13 (cyclin dependent kinase 13; plus strand), LOC129998292 (ATAC-STARR-seq lymphoblastoid silent region 18115; plus strand). Cytogenetic location: 7p14.1.
Variant type: single nucleotide variant.
Coding change: c.424C>T on transcript NM_003718.5 (MANE Select); coding-DNA position 424, C replaced by T.
Protein change: p.Pro142Ser; replaces proline 142 with serine.
Molecular consequence: missense variant.
Genome position (GRCh38, 1-based): chr7:39,951,065, C>T. VCF-style: chr7-39951065-C-T. GRCh37 (hg19) VCF-style: chr7-39990664-C-T.
Other names: c.424C>T, p.Pro142Ser (NM_031267.4); short protein forms P142S.
Identifiers: ClinVar variation 3701251 (VCV003701251.15).